The following is an entry in ClinVar:

NM_004168.4(SDHA):c.1570G>T (p.Ala524Ser)

Gene: SDHA (succinate dehydrogenase complex flavoprotein subunit A; plus strand). Cytogenetic location: 5p15.33.
Variant type: single nucleotide variant.
Coding change: c.1570G>T on transcript NM_004168.4 (MANE Select); coding-DNA position 1570, G replaced by T.
Protein change: p.Ala524Ser; replaces alanine 524 with serine.
Molecular consequence: missense variant. On other transcripts: intron variant (1).
Genome position (GRCh38, 1-based): chr5:251,010, G>T. VCF-style: chr5-251010-G-T. GRCh37 (hg19) VCF-style: chr5-251125-G-T.
Other names: c.1426G>T, p.Ala476Ser (NM_001294332.2); c.1552-3383G>T (NM_001330758.2); short protein forms A476S, A524S.
Identifiers: ClinVar variation 2032337 (VCV002032337.4), dbSNP rs1736786122, ClinGen allele CA358998449.

ClinVar aggregate classification (germline): Uncertain significance (1 of 4 stars; one submission).

Conditions:
Pheochromocytoma/paraganglioma syndrome 5. Also called: Paragangliomas 5; SDHA-Related Hereditary Paraganglioma-Pheochromocytoma Syndrome. Identifiers: Orphanet 29072, MedGen C3279992, MONDO:0013602, OMIM 614165.
Mitochondrial complex II deficiency, nuclear type 1. Also called: SUCCINATE CoQ REDUCTASE DEFICIENCY. Identifiers: Orphanet 3208, MedGen C5700310, MONDO:0100294, OMIM 252011.

Submission:

Labcorp Genetics (formerly Invitae), Labcorp
Classification: Uncertain significance for Pheochromocytoma/paraganglioma syndrome 5; Mitochondrial complex II deficiency, nuclear type 1. Last evaluated: 2022-09-24. Review status: criteria provided, single submitter. Criteria: Invitae Variant Classification Sherloc (09022015). Collection method: clinical testing. Allele origin: germline.
Comment: This sequence change replaces alanine, which is neutral and non-polar, with serine, which is neutral and polar, at codon 524 of the SDHA protein (p.Ala524Ser). This variant is not present in population databases (gnomAD no frequency). This variant has not been reported in the literature in individuals affected with SDHA-related conditions. Advanced modeling of protein sequence and biophysical properties (such as structural, functional, and spatial information, amino acid conservation, physicochemical variation, residue mobility, and thermodynamic stability) performed at Invitae indicates that this missense variant is not expected to disrupt SDHA protein function. This variant disrupts the p.Ala524 amino acid residue in SDHA. Other variant(s) that disrupt this residue have been determined to be pathogenic (PMID: 10746566). This suggests that this residue is clinically significant, and that variants that disrupt this residue are likely to be disease-causing. In summary, the available evidence is currently insufficient to determine the role of this variant in disease. Therefore, it has been classified as a Variant of Uncertain Significance.

Literature cited by the submitters: PubMed 10746566.